The following is an entry in ClinVar:

NM_001365999.1(SZT2):c.337A>T (p.Thr113Ser)

Gene: SZT2 (SZT2 subunit of KICSTOR complex; plus strand). Cytogenetic location: 1p34.2.
Variant type: single nucleotide variant.
Coding change: c.337A>T on transcript NM_001365999.1 (MANE Select); coding-DNA position 337, A replaced by T.
Protein change: p.Thr113Ser; replaces threonine 113 with serine.
Molecular consequence: missense variant.
Genome position (GRCh38, 1-based): chr1:43,404,389, A>T. VCF-style: chr1-43404389-A-T. GRCh37 (hg19) VCF-style: chr1-43870060-A-T.
Other names: c.337A>T, p.Thr113Ser (NM_015284.4); short protein forms T113S.
Identifiers: ClinVar variation 1490098 (VCV001490098.8), dbSNP rs1650047029, ClinGen allele CA339996780.

ClinVar aggregate classification (germline): Uncertain significance (1 of 4 stars; one submission).

Allele frequency attached by ClinVar (database versions not stated): TOPMed below 0.00001; gnomAD 0.00001.
gnomAD v4.1: 1 of 1,612,926 alleles (0.000062%); highest among the groups gnomAD compares: Admixed American, 0.0017%; no homozygotes.

Submission:

Labcorp Genetics (formerly Invitae), Labcorp
Classification: Uncertain significance. Last evaluated: 2020-11-03. Review status: criteria provided, single submitter. Criteria: Invitae Variant Classification Sherloc (09022015). Collection method: clinical testing. Allele origin: germline.
Comment: In summary, the available evidence is currently insufficient to determine the role of this variant in disease. Therefore, it has been classified as a Variant of Uncertain Significance. Algorithms developed to predict the effect of missense changes on protein structure and function (SIFT, PolyPhen-2, Align-GVGD) all suggest that this variant is likely to be tolerated, but these predictions have not been confirmed by published functional studies and their clinical significance is uncertain. This variant has not been reported in the literature in individuals with SZT2-related conditions. This variant is not present in population databases (ExAC no frequency). This sequence change replaces threonine with serine at codon 113 of the SZT2 protein (p.Thr113Ser). The threonine residue is weakly conserved and there is a small physicochemical difference between threonine and serine.